The following is an entry in ClinVar:

ClinVar aggregate classification (germline): Conflicting classifications of pathogenicity. Review status: criteria provided, conflicting classifications (1 of 4 stars). 10 submissions from 9 submitters: Uncertain significance (1); Benign (8); Likely benign (1). Last evaluated 2026-02-03.

Conditions:
Charcot-Marie-Tooth disease. Also called: Charcot-Marie-Tooth Neuropathy; Charcot-Marie-Tooth Hereditary Neuropathy. Identifiers: Orphanet 166, MedGen C0007959, MONDO:0015626.
Inborn genetic diseases. Identifiers: MedGen C0950123, MeSH D030342.
Charcot-Marie-Tooth disease type 4. Also called: Charcot-Marie-Tooth disease, type IV; Charcot-Marie-Tooth, Type 4. Identifiers: Orphanet 64749, MedGen C4082197, MONDO:0018995.
Susceptibility to mononeuropathy of the median nerve, mild. Also called: CARPAL TUNNEL SYNDROME, SUSCEPTIBILITY TO. Identifiers: MedGen C3150596, MONDO:0013237, OMIM 613353.
Charcot-Marie-Tooth disease type 4C (CMT4C). Also called: CHARCOT-MARIE-TOOTH DISEASE, DEMYELINATING, TYPE 4C; CHARCOT-MARIE-TOOTH DISEASE, DEMYELINATING, AUTOSOMAL RECESSIVE, TYPE 4C; SH3TC2-Related Hereditary Motor and Sensory Neuropathy; Charcot-Marie-Tooth Neuropathy Type 4C (CMT4C); CMT 4C. Identifiers: Orphanet 99949, MedGen C1866636, MONDO:0011113, OMIM 601596.

Allele frequency attached by ClinVar (database versions not stated): gnomAD 0.00587 and 0.00656; TOPMed 0.00624; ESP Exome Variant Server 0.00723; 1000 Genomes Project 30x 0.00734; 1000 Genomes Project 0.00739; gnomAD exomes 0.00907; ExAC 0.00937.
gnomAD v4.1: 14,659 of 1,614,160 alleles (0.91%); highest among the groups gnomAD compares: South Asian, 2.2%; 106 homozygotes.

Submissions (10):

Labcorp Genetics (formerly Invitae), Labcorp
Classification: Benign for Charcot-Marie-Tooth disease type 4. Last evaluated: 2026-02-03. Review status: criteria provided, single submitter. Criteria: Invitae Variant Classification Sherloc (09022015). Collection method: clinical testing. Allele origin: germline.

Athena Diagnostics
Classification: Benign. Last evaluated: 2025-08-06. Review status: criteria provided, single submitter. Criteria: Athena Diagnostics Criteria. Collection method: clinical testing. Allele origin: unknown.
Comment: The frequency of this variant in the general population is higher than would generally be expected for pathogenic variants in this gene. Computational tools yielded predictions that this variant is unlikely to have an effect on normal RNA splicing. This nucleotide position exhibits low evolutionary conservation.

ARUP Laboratories, Molecular Genetics and Genomics, ARUP Laboratories
Classification: Benign. Last evaluated: 2025-07-09. Review status: criteria provided, single submitter. Criteria: ARUP Molecular Germline Variant Investigation Process 2024. Collection method: clinical testing. Allele origin: germline.

Mayo Clinic Laboratories, Mayo Clinic
Classification: Benign. Last evaluated: 2021-12-21. Review status: criteria provided, single submitter. Criteria: ACMG Guidelines, 2015. Collection method: clinical testing. Allele origin: germline. Observed: 40 variant alleles.

Ambry Genetics
Classification: Likely benign for Inborn genetic diseases. Last evaluated: 2019-07-11. Review status: criteria provided, single submitter. Criteria: Ambry Variant Classification Scheme 2023. Collection method: clinical testing. Allele origin: germline.

Illumina Laboratory Services, Illumina
Classification: Benign for Charcot-Marie-Tooth disease type 4C. Last evaluated: 2018-01-13. Review status: criteria provided, single submitter. Criteria: ICSL Variant Classification Criteria 13 December 2019. Collection method: clinical testing. Allele origin: germline.
Comment: This variant was observed in the ICSL laboratory as part of a predisposition screen in an ostensibly healthy population. It had not been previously curated by ICSL or reported in the Human Gene Mutation Database (HGMD: prior to June 1st, 2018), and was therefore a candidate for classification through an automated scoring system. Utilizing variant allele frequency, disease prevalence and penetrance estimates, and inheritance mode, an automated score was calculated to assess if this variant is too frequent to cause the disease. Based on the score and internal cut-off values, a variant classified as benign is not then subjected to further curation. The score for this variant resulted in a classification of benign for this disease.

Illumina Laboratory Services, Illumina
Classification: Benign for Susceptibility to mononeuropathy of the median nerve, mild. Last evaluated: 2018-01-13. Review status: criteria provided, single submitter. Criteria: ICSL Variant Classification Criteria 13 December 2019. Collection method: clinical testing. Allele origin: germline.
Comment: the same text as in the submission from Illumina Laboratory Services, Illumina above.

GeneDx
Classification: Benign. Last evaluated: 2014-05-19. Review status: criteria provided, single submitter. Criteria: GeneDx Variant Classification (06012015). Collection method: clinical testing. Allele origin: germline. Affected: yes.
Comment: This variant is considered likely benign or benign based on one or more of the following criteria: it is a conservative change, it occurs at a poorly conserved position in the protein, it is predicted to be benign by multiple in silico algorithms, and/or has population frequency not consistent with disease.

Genetic Services Laboratory, University of Chicago
Classification: Uncertain significance. Last evaluated: 2014-03-06. Review status: criteria provided, single submitter. Criteria: ACMG Guidelines, 2007. Collection method: clinical testing. Allele origin: germline.

Molecular Genetics Laboratory, London Health Sciences Centre
Classification: Benign for Charcot-Marie-Tooth disease. Review status: criteria provided, single submitter. Criteria: ACMG Guidelines, 2015. Collection method: clinical testing. Allele origin: germline. Affected: yes.

NM_024577.4(SH3TC2):c.645C>T (p.Ser215=)

Gene: SH3TC2 (SH3 domain and tetratricopeptide repeats 2; minus strand). Cytogenetic location: 5q32.
Variant type: single nucleotide variant.
Coding change: c.645C>T on transcript NM_024577.4 (MANE Select); coding-DNA position 645, C replaced by T.
Protein change: p.Ser215=; no amino-acid change (serine 215 retained).
Molecular consequence: synonymous variant.
Genome position (GRCh38, 1-based): chr5:149,041,502, G>A on the plus strand (C>T on the coding strand, the complement: SH3TC2 is on the minus strand). VCF-style: chr5-149041502-G-A. GRCh37 (hg19) VCF-style: chr5-148421065-G-A.
Other names: p.S215S:TCC>TCT; p.Ser215=.
Identifiers: ClinVar variation 130301 (VCV000130301.36), dbSNP rs80227512, ClinGen allele CA289042.